The following is an entry in ClinVar:

NM_004360.5(CDH1):c.2296-11T>A

Gene: CDH1 (cadherin 1; plus strand). Cytogenetic location: 16q22.1.
Variant type: single nucleotide variant.
Coding change: c.2296-11T>A on transcript NM_004360.5 (MANE Select); 11 bases into the intron before coding-DNA position 2296, T replaced by A.
Molecular consequence: intron variant.
Genome position (GRCh38, 1-based): chr16:68,829,643, T>A. VCF-style: chr16-68829643-T-A. GRCh37 (hg19) VCF-style: chr16-68863546-T-A.
Other names: c.748-11T>A (NM_001317185.2); c.331-11T>A (NM_001317186.2); c.2113-11T>A (NM_001317184.2); c.2296-11T>A (LRG_301t1).
Identifiers: ClinVar variation 390064 (VCV000390064.2), dbSNP rs1057523636, ClinGen allele CA16607068.

ClinVar aggregate classification (germline): Conflicting classifications of pathogenicity. Review status: criteria provided, conflicting classifications (1 of 4 stars). 2 submissions from 2 submitters: Uncertain significance (1); Likely benign (1). Last evaluated 2022-02-16.

Conditions:
Hereditary cancer-predisposing syndrome. Also called: Hereditary Cancer Syndrome; Hereditary neoplastic syndrome; Neoplastic Syndromes, Hereditary; Tumor predisposition. Identifiers: Orphanet 140162, MedGen C0027672, MeSH D009386, MONDO:0015356.

Submissions (2):

Sema4
Classification: Uncertain significance for Hereditary cancer-predisposing syndrome. Last evaluated: 2022-02-16. Review status: criteria provided, single submitter. Criteria: Sema4 Curation Guidelines. Collection method: curation. Allele origin: germline.
Comment: The CDH1 c.2296-11T>A variant has not been reported in the literature to our knowledge. It was not observed in the large and broad cohorts of the Genome Aggregation Database (PMID: 32461654). This variant has been reported in ClinVar (Variation ID 390064). In silico tools suggest that the variant does not impact splicing, though these predictions have not been confirmed by functional studies. The evidence is insufficient to meet ACMG/AMP criteria for classifying the variant as benign or pathogenic. Thus, the clinical significance of this variant is currently uncertain.

GeneDx
Classification: Likely benign. Last evaluated: 2016-10-11. Review status: criteria provided, single submitter. Criteria: GeneDx Variant Classification (06012015). Collection method: clinical testing. Allele origin: germline. Affected: yes.
Comment: This variant is considered likely benign or benign based on one or more of the following criteria: it is a conservative change, it occurs at a poorly conserved position in the protein, it is predicted to be benign by multiple in silico algorithms, and/or has population frequency not consistent with disease.